The following is an entry in ClinVar:

NM_000257.4(MYH7):c.5786C>T (p.Thr1929Met)

Gene: MYH7 (myosin heavy chain 7; minus strand). Cytogenetic location: 14q11.2.
Variant type: single nucleotide variant.
Coding change: c.5786C>T on transcript NM_000257.4 (MANE Select); coding-DNA position 5786, C replaced by T.
Protein change: p.Thr1929Met; replaces threonine 1929 with methionine.
Molecular consequence: missense variant.
Genome position (GRCh38, 1-based): chr14:23,413,763, G>A on the plus strand (C>T on the coding strand, the complement: MYH7 is on the minus strand). VCF-style: chr14-23413763-G-A. GRCh37 (hg19) VCF-style: chr14-23882972-G-A.
Other names: short protein forms T1929M.
Identifiers: ClinVar variation 181397 (VCV000181397.32), dbSNP rs730880918, ClinGen allele CA016477.

ClinVar aggregate classification (germline): Uncertain significance. Review status: criteria provided, multiple submitters, no conflicts (2 of 4 stars). 9 submissions from 9 submitters: Uncertain significance (9). Last evaluated 2025-11-12.

Conditions:
Cardiovascular phenotype. Identifiers: MedGen CN230736.
Cardiomyopathy (CMYO). Also called: Cardiomyopathies. Identifiers: Orphanet 167848, MedGen C0878544, MONDO:0004994, HP:0001638. Inheritance: Various modes of inheritance.
Hypertrophic cardiomyopathy. Also called: HYPERTROPHIC MYOCARDIOPATHY. Identifiers: Orphanet 217569, MedGen C0007194, MeSH D002312, MONDO:0005045, HP:0001639.

Allele frequency attached by ClinVar (database versions not stated): ExAC 0.00002; gnomAD exomes 0.00002; TOPMed 0.00004; gnomAD 0.00009 and 0.00010.
gnomAD v4.1: 52 of 1,613,950 alleles (0.0032%); highest among the groups gnomAD compares: Non-Finnish European, 0.0037%; no homozygotes.

Submissions (9):

Labcorp Genetics (formerly Invitae), Labcorp
Classification: Uncertain significance for Hypertrophic cardiomyopathy. Last evaluated: 2025-11-12. Review status: criteria provided, single submitter. Criteria: Invitae Variant Classification Sherloc (09022015). Collection method: clinical testing. Allele origin: germline.
Comment: This sequence change replaces threonine, which is neutral and polar, with methionine, which is neutral and non-polar, at codon 1929 of the MYH7 protein (p.Thr1929Met). This variant is present in population databases (rs730880918, gnomAD 0.009%). This missense change has been observed in individual(s) with left ventricular noncompaction and hypertrophic cardiomyopathy (PMID: 15358028, 19666645, 21799269, 28798025, 33500567, 38938358). ClinVar contains an entry for this variant (Variation ID: 181397). Invitae Evidence Modeling of protein sequence and biophysical properties (such as structural, functional, and spatial information, amino acid conservation, physicochemical variation, residue mobility, and thermodynamic stability) indicates that this missense variant is not expected to disrupt MYH7 protein function with a negative predictive value of 95%. In summary, the available evidence is currently insufficient to determine the role of this variant in disease. Therefore, it has been classified as a Variant of Uncertain Significance.

Molecular Diagnostic Laboratory for Inherited Cardiovascular Disease, Montreal Heart Institute
Classification: Uncertain significance for Cardiovascular phenotype. Last evaluated: 2025-04-09. Review status: criteria provided, single submitter. Criteria: ACMG Guidelines, 2015. Collection method: clinical testing. Allele origin: germline. Affected: yes.
Comment: PS4_mod, PM2

Ambry Genetics
Classification: Uncertain significance for Cardiovascular phenotype. Last evaluated: 2024-10-15. Review status: criteria provided, single submitter. Criteria: Ambry Variant Classification Scheme 2023. Collection method: clinical testing. Allele origin: germline.
Comment: The p.T1929M variant (also known as c.5786C>T), located in coding exon 37 of the MYH7 gene, results from a C to T substitution at nucleotide position 5786. The threonine at codon 1929 is replaced by methionine, an amino acid with similar properties. This alteration has been reported in association with hypertrophic cardiomyopathy (HCM) (Van Driest SL et al. J. Am. Coll. Cardiol., 2004 Aug;44:602-10; Kubo T et al. Circ. J., 2011 Jul;75:2654-9). This alteration was reported in a proband and three asymptomatic family members (Michels M et al. Eur. Heart J., 2009 Nov;30:2593-8) and has also been reported in conjunction with a second missense alteration in MYH7 (Maron BJ et al. Heart Rhythm, 2012 Jan;9:57-63). This amino acid position is poorly conserved in available vertebrate species. In addition, the in silico prediction for this alteration is inconclusive. Since supporting evidence is limited at this time, the clinical significance of this alteration remains unclear.

All of Us Research Program, National Institutes of Health
Classification: Uncertain significance for Cardiomyopathy. Last evaluated: 2024-07-29. Review status: criteria provided, single submitter. Criteria: ACMG Guidelines, 2015. Collection method: clinical testing. Allele origin: germline. Inheritance: Autosomal dominant inheritance. Observed: 10 variant alleles, 10 heterozygotes.
Comment: This missense variant replaces threonine with methionine at codon 1929 of the MYH7 protein. Computational prediction tools indicate that this variant's impact on protein structure and function is inconclusive. To our knowledge, functional studies have not been reported for this variant. This variant has been reported in several individuals affected with hypertrophic cardiomyopathy (PMID: 15358028, 19666645, 21799269, 21839045, 28378410, 32894683, 33495596, 33495597, 38938358). One of these individuals also carried a different pathogenic variant in the same gene (PMID: 28378410) and another individual also carried a variant in the FHOD3 gene (PMID: 38938358). This variant has also been reported in an individual affected with left ventricular noncompaction (PMID: 28798025, 33500567). This variant has been identified in 15/282610 chromosomes in the general population by the Genome Aggregation Database (gnomAD). The available evidence is insufficient to determine the role of this variant in disease conclusively. Therefore, this variant is classified as a Variant of Uncertain Significance.

This study involves interpretation of variants in research participants for the purpose of population health screening. Participant phenotype was not available at the time of variant classification. Additional details can be found in publication PMID: 35346344, PMCID: PMC8962531

Color Diagnostics, LLC DBA Color Health
Classification: Uncertain significance for Cardiomyopathy. Last evaluated: 2024-07-18. Review status: criteria provided, single submitter. Criteria: ACMG Guidelines, 2015. Collection method: clinical testing. Allele origin: germline.
Comment: This missense variant replaces threonine with methionine at codon 1929 of the MYH7 protein. Computational prediction tools indicate that this variant's impact on protein structure and function is inconclusive. To our knowledge, functional studies have not been reported for this variant. This variant has been reported in several individuals affected with hypertrophic cardiomyopathy (PMID: 15358028, 19666645, 21799269, 21839045, 28378410, 32894683, 33495596, 33495597, 38938358). One of these individuals also carried a different pathogenic variant in the same gene (PMID: 28378410) and another individual also carried a variant in the FHOD3 gene (PMID: 38938358). This variant has also been reported in an individual affected with left ventricular noncompaction (PMID: 28798025, 33500567). This variant has been identified in 15/282610 chromosomes in the general population by the Genome Aggregation Database (gnomAD). The available evidence is insufficient to determine the role of this variant in disease conclusively. Therefore, this variant is classified as a Variant of Uncertain Significance.

Dasa
Classification: Uncertain significance. Last evaluated: 2024-05-24. Review status: criteria provided, single submitter. Criteria: DASA Assertion Criteria. Collection method: clinical testing. Allele origin: germline.
Comment: NM_000257.4(MYH7):c.5786C>T (p.Thr1929Met) is a missense variant that results in the substitution of threonine with methionine. This variant has been recurrently observed in individuals with MYH7-related disorders (PMID: 19666645; PMID: 21799269). Also, this variant is rare in population databases. The currently available literature and clinical evidence are not sufficient to establish a definitive association between this variant and the reported condition. Therefore, this variant is classified as a variant of uncertain significance.

GeneDx
Classification: Uncertain significance. Last evaluated: 2023-02-07. Review status: criteria provided, single submitter. Criteria: GeneDx Variant Classification Process June 2021. Collection method: clinical testing. Allele origin: germline. Affected: yes.
Comment: Identified in patients with HCM referred for genetic testing at GeneDx and in published literature (Michels et al., 2009; Kubo et al., 2011; Maron et al., 2012; van Velzen et al., 2016; Pajusalu et al., 2018); In silico analysis supports that this missense variant does not alter protein structure/function; This variant is associated with the following publications: (PMID: 25961035, 21799269, 15358028, 28798025, 28378410, 19666645, 21839045, 27247418, 34426522, 32894683, 27476098, 34542152)

Mayo Clinic Laboratories, Mayo Clinic
Classification: Uncertain significance. Last evaluated: 2022-01-19. Review status: criteria provided, single submitter. Criteria: ACMG Guidelines, 2015. Collection method: clinical testing. Allele origin: germline.

Blueprint Genetics
Classification: Uncertain significance. Last evaluated: 2017-06-06. Review status: criteria provided, single submitter. Criteria: ACMG Guidelines, 2015. Collection method: clinical testing. Allele origin: germline.

Literature cited by the submitters: PubMed 15358028 (cited by 4 submitters); PubMed 19666645 (cited by 5 submitters); PubMed 21799269 (cited by 5 submitters); PubMed 28798025 (cited by 4 submitters); PubMed 33500567 (cited by 3 submitters); PubMed 38938358 (cited by 3 submitters); PubMed 21839045 (cited by 3 submitters); PubMed 24793961 (cited by Ambry Genetics); PubMed 27247418 (cited by Ambry Genetics); PubMed 28378410 (cited by All of Us Research Program, National Institutes of Health and Color Diagnostics, LLC DBA Color Health); PubMed 32894683 (cited by All of Us Research Program, National Institutes of Health and Color Diagnostics, LLC DBA Color Health); PubMed 33495596 (cited by All of Us Research Program, National Institutes of Health and Color Diagnostics, LLC DBA Color Health); PubMed 33495597 (cited by All of Us Research Program, National Institutes of Health and Color Diagnostics, LLC DBA Color Health).